The following is an entry in ClinVar:

ClinVar aggregate classification (germline): Conflicting classifications of pathogenicity. Review status: criteria provided, conflicting classifications (1 of 4 stars). 2 submissions from 2 submitters: Likely pathogenic (1); Uncertain significance (1). Last evaluated 2025-12-04.

Conditions:
Hereditary cancer-predisposing syndrome. Also called: Neoplastic Syndromes, Hereditary; Tumor predisposition; Hereditary Cancer Syndrome; Hereditary neoplastic syndrome. Identifiers: Orphanet 140162, MedGen C0027672, MeSH D009386, MONDO:0015356.

Submissions (2):

Ambry Genetics
Classification: Likely pathogenic for Hereditary cancer-predisposing syndrome. Last evaluated: 2025-12-04. Review status: criteria provided, single submitter. Criteria: Ambry Variant Classification Scheme 2023. Collection method: clinical testing. Allele origin: germline.
Comment: The c.597_599delTGC variant (also known as p.A200del) is located in coding exon 5 of the FH gene. This variant results from an in-frame deletion of 3 nucleotides (TGC) at positions 597 to 599, causing the removal of a highly-conserved alanine residue at codon 200. This variant, previously reported as p.A199del, has been detected in multiple individuals who meet clinical diagnostic criteria for HLRCC (Ambry internal data). Based on internal structural analysis, this variant is anticipated to disrupt a region of known function (Ambry internal data). In addition, this alteration is predicted to be deleterious by in silico analysis (Choi Y et al., PLoS ONE 2012; 7(10):e46688). This variant is considered to be rare based on population cohorts in the Genome Aggregation Database (gnomAD). Based on the majority of available evidence to date, this variant is likely to be pathogenic.

Labcorp Genetics (formerly Invitae), Labcorp
Classification: Uncertain significance. Last evaluated: 2022-08-16. Review status: criteria provided, single submitter. Criteria: Invitae Variant Classification Sherloc (09022015). Collection method: clinical testing. Allele origin: germline.
Comment: In summary, the available evidence is currently insufficient to determine the role of this variant in disease. Therefore, it has been classified as a Variant of Uncertain Significance. Experimental studies and prediction algorithms are not available or were not evaluated, and the functional significance of this variant is currently unknown. ClinVar contains an entry for this variant (Variation ID: 186384). This variant has been observed in individual(s) with clinical features of FH-related conditions (Invitae). This variant, c.597_599del, results in the deletion of 1 amino acid(s) of the FH protein (p.Ala200del), but otherwise preserves the integrity of the reading frame. This variant is not present in population databases (gnomAD no frequency).

NM_000143.4(FH):c.591TGC[2] (p.Ala200del)

Gene: FH (fumarate hydratase; minus strand). Cytogenetic location: 1q43.
Variant type: Microsatellite.
Coding change: c.591TGC[2] on transcript NM_000143.4 (MANE Select); two copies in a row of the 3-base unit TGC starting at c.591; the reference has three copies in a row; one copy, 3 bases deleted.
Protein change: p.Ala200del; deletes alanine 200.
Molecular consequence: inframe deletion.
Genome position (GRCh38, 1-based): chr1:241,508,742-241,508,744, GCA deleted on the plus strand (TGC on the coding strand, the reverse complement: FH is on the minus strand); deleting any 3 consecutive bases within chr1:241,508,742-241,508,750 gives the same sequence; the position shown is the placement nearest the transcript's 3' end. VCF-style (leftmost placement, unchanged base first): chr1-241508741-TGCA-T. GRCh37 (hg19) VCF-style: chr1-241672041-TGCA-T.
Other names: c.597_599delTGC (NM_000143.3); short protein forms A200del.
Identifiers: ClinVar variation 186384 (VCV000186384.15), dbSNP rs786202907, ClinGen allele CA194673.
Genomic context (GRCh38, chr1:241,508,741, plus strand): 5'-TGCATCAAGAGCATCATGTAACTTCTGTAGTCCTGGTAACAGTACTTCATGAACTTCTAT[TGCA>T]GCAGCAATGTGCATTGCTGTGGGAAAAGTATCATTTGAGCTCTGTTGGAAATTTTTCAAA-3'